The following is an entry in ClinVar:

ClinVar aggregate classification (germline): Uncertain significance (1 of 4 stars; one submission).

Allele frequency attached by ClinVar (database versions not stated): TOPMed 0.00001; ExAC 0.00002; gnomAD 0.00002; gnomAD exomes 0.00003.

Submission:

Labcorp Genetics (formerly Invitae), Labcorp
Classification: Uncertain significance. Last evaluated: 2024-04-25. Review status: criteria provided, single submitter. Criteria: Invitae Variant Classification Sherloc (09022015). Collection method: clinical testing. Allele origin: germline.
Comment: This sequence change replaces isoleucine, which is neutral and non-polar, with threonine, which is neutral and polar, at codon 119 of the SLC16A1 protein (p.Ile119Thr). This variant is present in population databases (rs752180968, gnomAD 0.003%). This variant has not been reported in the literature in individuals affected with SLC16A1-related conditions. An algorithm developed to predict the effect of missense changes on protein structure and function (PolyPhen-2) suggests that this variant is likely to be disruptive. In summary, the available evidence is currently insufficient to determine the role of this variant in disease. Therefore, it has been classified as a Variant of Uncertain Significance.

NM_003051.4(SLC16A1):c.356T>C (p.Ile119Thr)

Gene: SLC16A1 (solute carrier family 16 member 1; minus strand). Cytogenetic location: 1p13.2.
Variant type: single nucleotide variant.
Coding change: c.356T>C on transcript NM_003051.4 (MANE Select); coding-DNA position 356, T replaced by C.
Protein change: p.Ile119Thr; replaces isoleucine 119 with threonine.
Molecular consequence: missense variant.
Genome position (GRCh38, 1-based): chr1:112,921,995, A>G on the plus strand (T>C on the coding strand, the complement: SLC16A1 is on the minus strand). VCF-style: chr1-112921995-A-G. GRCh37 (hg19) VCF-style: chr1-113464617-A-G.
Other names: c.356T>C, p.Ile119Thr (NM_001166496.2); short protein forms I119T.
Identifiers: ClinVar variation 2970940 (VCV002970940.2), dbSNP rs752180968, ClinGen allele CA1011471.
Genomic context (GRCh38, chr1:112,921,995, plus strand): 5'-ATACAAAATAGCCAGCCATAAACTAATGCTTCCAAATGAATCAGTAGTAACTCACCTCCA[A>G]TGACTCCAATACAGACGTATAGTTGCTGTACGGTGTTACAGAAAGAAGCTGCAATCAAGC-3'
Protein context (NP_003042.3, residues 109-129): VQQLYVCIGV[Ile119Thr]GGLGLAFNLN